The following is an entry in ClinVar:

NM_014915.3(ANKRD26):c.3443AAC[1] (p.Gln1149del)

Gene: ANKRD26 (ankyrin repeat domain 26; minus strand). Cytogenetic location: 10p12.1.
Variant type: Microsatellite.
Coding change: c.3443AAC[1] on transcript NM_014915.3 (MANE Select); one copy of the 3-base unit AAC starting at c.3443; the reference has two copies in a row; one copy, 3 bases deleted.
Protein change: p.Gln1149del; deletes glutamine 1149.
Molecular consequence: inframe deletion.
Genome position (GRCh38, 1-based): chr10:27,035,002-27,035,004, GTT deleted on the plus strand (AAC on the coding strand, the reverse complement: ANKRD26 is on the minus strand); deleting any 3 consecutive bases within chr10:27,035,002-27,035,009 gives the same sequence; the position shown is the placement nearest the transcript's 3' end. VCF-style (leftmost placement, unchanged base first): chr10-27035001-AGTT-A. GRCh37 (hg19) VCF-style: chr10-27323930-AGTT-A.
Other names: c.3440AAC[1], p.Gln1148del (NM_001256053.2); short protein forms Q1149del, Q1148del.
Identifiers: ClinVar variation 4706262 (VCV004706262.1).

ClinVar aggregate classification (germline): Uncertain significance (1 of 4 stars; one submission).

Submission:

Labcorp Genetics (formerly Invitae), Labcorp
Classification: Uncertain significance. Last evaluated: 2025-08-23. Review status: criteria provided, single submitter. Criteria: Invitae Variant Classification Sherloc (09022015). Collection method: clinical testing. Allele origin: germline.
Comment: This variant, c.3446_3448del, results in the deletion of 1 amino acid(s) of the ANKRD26 protein (p.Gln1149del), but otherwise preserves the integrity of the reading frame. This variant is present in population databases (no rsID available, gnomAD 0.007%). This variant has not been reported in the literature in individuals affected with ANKRD26-related conditions. Experimental studies and prediction algorithms are not available or were not evaluated, and the functional significance of this variant is currently unknown. In summary, the available evidence is currently insufficient to determine the role of this variant in disease. Therefore, it has been classified as a Variant of Uncertain Significance.